The following is an entry in ClinVar:

ClinVar aggregate classification (germline): Uncertain significance (1 of 4 stars; one submission).

gnomAD v4.1: 48 of 1,613,964 alleles (0.003%); highest among the groups gnomAD compares: African/African-American, 0.052%; 1 homozygote.

Submission:

GeneDx
Classification: Uncertain significance. Last evaluated: 2024-11-08. Review status: criteria provided, single submitter. Criteria: GeneDx Variant Classification Process June 2021. Collection method: clinical testing. Allele origin: germline. Affected: yes.
Comment: In silico analysis indicates that this missense variant does not alter protein structure/function; Has not been previously published as pathogenic or benign to our knowledge

NM_004628.5(XPC):c.1894C>G (p.Gln632Glu)

Gene: XPC (XPC complex subunit, DNA damage recognition and repair factor; minus strand). Cytogenetic location: 3p25.1.
Variant type: single nucleotide variant.
Coding change: c.1894C>G on transcript NM_004628.5 (MANE Select); coding-DNA position 1894, C replaced by G.
Protein change: p.Gln632Glu; replaces glutamine 632 with glutamic acid.
Molecular consequence: missense variant. On other transcripts: intron variant (1).
Genome position (GRCh38, 1-based): chr3:14,156,474, G>C on the plus strand (C>G on the coding strand, the complement: XPC is on the minus strand). VCF-style: chr3-14156474-G-C. GRCh37 (hg19) VCF-style: chr3-14197974-G-C.
Other names: c.1315C>G, p.Gln439Glu (NM_001354726.2); c.1876C>G, p.Gln626Glu (NM_001354729.2); c.1648C>G, p.Gln550Glu (NM_001354730.2); c.1872+1537C>G (NM_001354727.2); short protein forms Q439E, Q550E, Q626E, Q632E.
Identifiers: ClinVar variation 3899124 (VCV003899124.1).